The following is an entry in ClinVar:

ClinVar aggregate classification (germline): Uncertain significance (1 of 4 stars; one submission).

Conditions:
Kabuki syndrome. Also called: NIIKAWA-KUROKI SYNDROME; Kabuki make-up syndrome. Identifiers: Orphanet 2322, MedGen C0796004, MONDO:0016512.

Submission:

Labcorp Genetics (formerly Invitae), Labcorp
Classification: Uncertain significance for Kabuki syndrome. Last evaluated: 2024-09-28. Review status: criteria provided, single submitter. Criteria: Invitae Variant Classification Sherloc (09022015). Collection method: clinical testing. Allele origin: germline.
Comment: This sequence change replaces glutamic acid, which is acidic and polar, with aspartic acid, which is acidic and polar, at codon 914 of the KMT2D protein (p.Glu914Asp). This variant is not present in population databases (gnomAD no frequency). This variant has not been reported in the literature in individuals affected with KMT2D-related conditions. Invitae Evidence Modeling of protein sequence and biophysical properties (such as structural, functional, and spatial information, amino acid conservation, physicochemical variation, residue mobility, and thermodynamic stability) indicates that this missense variant is not expected to disrupt KMT2D protein function with a negative predictive value of 95%. In summary, the available evidence is currently insufficient to determine the role of this variant in disease. Therefore, it has been classified as a Variant of Uncertain Significance.

NM_003482.4(KMT2D):c.2742G>C (p.Glu914Asp)

Gene: KMT2D (lysine methyltransferase 2D; minus strand). Cytogenetic location: 12q13.12.
Variant type: single nucleotide variant.
Coding change: c.2742G>C on transcript NM_003482.4 (MANE Select); coding-DNA position 2742, G replaced by C.
Protein change: p.Glu914Asp; replaces glutamic acid 914 with aspartic acid.
Molecular consequence: missense variant.
Genome position (GRCh38, 1-based): chr12:49,050,941, C>G on the plus strand (G>C on the coding strand, the complement: KMT2D is on the minus strand). VCF-style: chr12-49050941-C-G. GRCh37 (hg19) VCF-style: chr12-49444724-C-G.
Other names: short protein forms E914D.
Identifiers: ClinVar variation 3635167 (VCV003635167.2).